The following is an entry in ClinVar:

NM_000702.4(ATP1A2):c.1808G>A (p.Cys603Tyr)

Gene: ATP1A2 (ATPase Na+/K+ transporting subunit alpha 2; plus strand). Cytogenetic location: 1q23.2.
Variant type: single nucleotide variant.
Coding change: c.1808G>A on transcript NM_000702.4 (MANE Select); coding-DNA position 1808, G replaced by A.
Protein change: p.Cys603Tyr; replaces cysteine 603 with tyrosine.
Molecular consequence: missense variant.
Genome position (GRCh38, 1-based): chr1:160,130,578, G>A. VCF-style: chr1-160130578-G-A. GRCh37 (hg19) VCF-style: chr1-160100368-G-A.
Other names: short protein forms C603Y.
Identifiers: ClinVar variation 2834951 (VCV002834951.3), dbSNP rs2524873603, ClinGen allele CA343244515.
Genomic context (GRCh38, chr1:160,130,578, plus strand): 5'-TGGGGCTCATGTCTATGATTGACCCTCCCCGGGCTGCTGTGCCAGATGCTGTGGGCAAGT[G>A]CCGAAGCGCAGGCATCAAGGTACTGGCCTCCCATCCTCCCCTCCATTCTAGCCTCCCCCA-3'
Protein context (NP_000693.1, residues 593-613): RAAVPDAVGK[Cys603Tyr]RSAGIKVIMV

ClinVar aggregate classification (germline): Uncertain significance (1 of 4 stars; one submission).

Conditions:
Familial hemiplegic migraine. Identifiers: MedGen C0338484, MONDO:0000700.

Submission:

Labcorp Genetics (formerly Invitae), Labcorp
Classification: Uncertain significance for Familial hemiplegic migraine. Last evaluated: 2023-02-06. Review status: criteria provided, single submitter. Criteria: Invitae Variant Classification Sherloc (09022015). Collection method: clinical testing. Allele origin: germline.
Comment: This variant is not present in population databases (gnomAD no frequency). In summary, the available evidence is currently insufficient to determine the role of this variant in disease. Therefore, it has been classified as a Variant of Uncertain Significance. Advanced modeling of protein sequence and biophysical properties (such as structural, functional, and spatial information, amino acid conservation, physicochemical variation, residue mobility, and thermodynamic stability) performed at Invitae indicates that this missense variant is expected to disrupt ATP1A2 protein function. This variant has not been reported in the literature in individuals affected with ATP1A2-related conditions. This sequence change replaces cysteine, which is neutral and slightly polar, with tyrosine, which is neutral and polar, at codon 603 of the ATP1A2 protein (p.Cys603Tyr).